The following is an entry in ClinVar:

NM_001110556.2(FLNA):c.1342C>T (p.Pro448Ser)

Gene: FLNA (filamin A; minus strand). Cytogenetic location: Xq28.
Variant type: single nucleotide variant.
Coding change: c.1342C>T on transcript NM_001110556.2 (MANE Select); coding-DNA position 1342, C replaced by T.
Protein change: p.Pro448Ser; replaces proline 448 with serine.
Molecular consequence: missense variant.
Genome position (GRCh38, 1-based): chrX:154,366,111, G>A on the plus strand (C>T on the coding strand, the complement: FLNA is on the minus strand). VCF-style: chrX-154366111-G-A. GRCh37 (hg19) VCF-style: chrX-153594479-G-A.
Other names: c.1342C>T, p.Pro448Ser (NM_001456.4); short protein forms P448S.
Identifiers: ClinVar variation 2626176 (VCV002626176.4), dbSNP rs2067757344, ClinGen allele CA415243782.

ClinVar aggregate classification (germline): Uncertain significance. Review status: criteria provided, multiple submitters, no conflicts (2 of 4 stars). 2 submissions from 2 submitters: Uncertain significance (2). Last evaluated 2024-12-04.

Conditions:
Oto-palato-digital syndrome, type II (OPD2). Also called: FACIOPALATOOSSEOUS SYNDROME; OPD II SYNDROME; Otopalatodigital Syndrome Type 2 (FLNA-OPD2); Otopalatodigital Syndrome, Type II. Identifiers: Orphanet 669, Orphanet 90652, MedGen C1844696, MONDO:0010571, OMIM 304120.
Heterotopia, periventricular, X-linked dominant (PVNH1). Also called: PERIVENTRICULAR NODULAR HETEROTOPIA 1; X-linked periventricular heterotopia; PERIVENTRICULAR NODULAR HETEROTOPIA 4; HETEROTOPIA, PERIVENTRICULAR, 1. Identifiers: Orphanet 2149, Orphanet 82004, MedGen C1848213, MONDO:0010233, OMIM 300049.
Melnick-Needles syndrome (MNS). Also called: MELNICK-NEEDLES OSTEODYSPLASTY; OSTEODYSPLASTY OF MELNICK AND NEEDLES; Melnick-Needles Syndrome (FLNA-MNS). Identifiers: Orphanet 2484, MedGen C0025237, MONDO:0010650, OMIM 309350.
Frontometaphyseal dysplasia (FMD1). Identifiers: Orphanet 1826, MedGen C0265293, MONDO:0015942.
Familial thoracic aortic aneurysm and aortic dissection (TAAD). Also called: Thoracic aortic aneurysms and dissections. Identifiers: Orphanet 91387, MedGen C4707243, MONDO:0019625.

Allele frequency attached by ClinVar (database versions not stated): gnomAD exomes below 0.00001.

Submissions (2):

Labcorp Genetics (formerly Invitae), Labcorp
Classification: Uncertain significance for Oto-palato-digital syndrome, type II; Heterotopia, periventricular, X-linked dominant; Frontometaphyseal dysplasia; Melnick-Needles syndrome. Last evaluated: 2024-12-04. Review status: criteria provided, single submitter. Criteria: Invitae Variant Classification Sherloc (09022015). Collection method: clinical testing. Allele origin: germline.
Comment: This sequence change replaces proline, which is neutral and non-polar, with serine, which is neutral and polar, at codon 448 of the FLNA protein (p.Pro448Ser). This variant is not present in population databases (gnomAD no frequency). This variant has not been reported in the literature in individuals affected with FLNA-related conditions. ClinVar contains an entry for this variant (Variation ID: 2626176). Invitae Evidence Modeling of protein sequence and biophysical properties (such as structural, functional, and spatial information, amino acid conservation, physicochemical variation, residue mobility, and thermodynamic stability) has been performed for this missense variant. However, the output from this modeling did not meet the statistical confidence thresholds required to predict the impact of this variant on FLNA protein function. In summary, the available evidence is currently insufficient to determine the role of this variant in disease. Therefore, it has been classified as a Variant of Uncertain Significance.

Ambry Genetics
Classification: Uncertain significance for Familial thoracic aortic aneurysm and aortic dissection. Last evaluated: 2023-09-07. Review status: criteria provided, single submitter. Criteria: Ambry Variant Classification Scheme 2023. Collection method: clinical testing. Allele origin: germline.
Comment: The p.P448S variant (also known as c.1342C>T), located in coding exon 8 of the FLNA gene, results from a C to T substitution at nucleotide position 1342. The proline at codon 448 is replaced by serine, an amino acid with similar properties. This amino acid position is highly conserved in available vertebrate species. In addition, this alteration is predicted to be deleterious by in silico analysis. Since supporting evidence is limited at this time, the clinical significance of this alteration remains unclear.